The following is an entry in ClinVar:

NM_001042492.3(NF1):c.4044del (p.His1348fs)

Gene: NF1 (neurofibromin 1; plus strand). Cytogenetic location: 17q11.2.
Variant type: Deletion.
Coding change: c.4044del on transcript NM_001042492.3 (MANE Select); coding-DNA position 4044, one base deleted (T; older notation c.4044delT).
Protein change: p.His1348fs; shifts the reading frame from histidine 1348.
Molecular consequence: frameshift variant.
Genome position (GRCh38, 1-based): chr17:31,249,053, T deleted. VCF-style (leftmost placement, unchanged base first): chr17-31249052-AT-A. GRCh37 (hg19) VCF-style: chr17-29576070-AT-A.
Other names: c.4044delT (NM_000267.3); c.4044delT, p.His1348Glnfs (NM_000267.4); short protein forms H1348fs.
Identifiers: ClinVar variation 579586 (VCV000579586.5), dbSNP rs1567858344, ClinGen allele CA891843822.

ClinVar aggregate classification (germline): Pathogenic (1 of 4 stars; one submission).

Conditions:
Neurofibromatosis, type 1 (NF1). Also called: Peripheral type neurofibromatosis; Neurofibromatosis, type I; VON RECKLINGHAUSEN DISEASE; NEUROFIBROMATOSIS, TYPE I, SOMATIC. Identifiers: Orphanet 636, MedGen C0027831, MONDO:0018975, OMIM 162200. Disease mechanism: loss of function.

Submission:

Labcorp Genetics (formerly Invitae), Labcorp
Classification: Pathogenic for Neurofibromatosis, type 1. Last evaluated: 2018-05-14. Review status: criteria provided, single submitter. Criteria: Invitae Variant Classification Sherloc (09022015). Collection method: clinical testing. Allele origin: germline.
Comment: For these reasons, this variant has been classified as Pathogenic. Loss-of-function variants in NF1 are known to be pathogenic (PMID: 10712197, 23913538). This variant has not been reported in the literature in individuals with NF1-related disease. This variant is not present in population databases (ExAC no frequency). This sequence change creates a premature translational stop signal (p.His1348Glnfs*37) in the NF1 gene. It is expected to result in an absent or disrupted protein product.

Literature cited by the submitters: PubMed 10712197; PubMed 23913538.